The following is an entry in ClinVar:

NC_000020.10:g.(?_8113299)_(8352117_?)del

Gene: PLCB1 (phospholipase C beta 1; plus strand). Cytogenetic location: 20p12.3.
Variant type: Deletion.
Identifiers: ClinVar variation 3248294 (VCV003248294.1).

ClinVar aggregate classification (germline): Pathogenic (1 of 4 stars; one submission).

Conditions:
Developmental and epileptic encephalopathy, 12 (DEE12). Identifiers: MedGen C3150988, MONDO:0013389, OMIM 613722.

Submission:

Labcorp Genetics (formerly Invitae), Labcorp
Classification: Pathogenic for Developmental and epileptic encephalopathy, 12. Last evaluated: 2024-01-15. Review status: criteria provided, single submitter. Criteria: Invitae Variant Classification Sherloc (09022015). Collection method: clinical testing. Allele origin: unknown.
Comment: This variant is a gross deletion of the genomic region encompassing exon(s) 1-3 of the PLCB1 gene, which includes the initiator codon. This deletion extends beyond the assayed region for this gene and therefore may encompass additional genes. It is expected to result in an absent or disrupted protein product. Loss-of-function variants in PLCB1 are known to be pathogenic (PMID: 24684524). A similar copy number variant has been observed in individual(s) with early-onset epilepsy (PMID: 20833646, 22690784, 24684524, 25950944). For these reasons, this variant has been classified as Pathogenic.

Literature cited by the submitters: PubMed 24684524; PubMed 20833646; PubMed 22690784; PubMed 25950944.